The following is an entry in ClinVar:

ClinVar aggregate classification (germline): Likely benign. Review status: criteria provided, multiple submitters, no conflicts (2 of 4 stars). 2 submissions from 2 submitters: Likely benign (2). Last evaluated 2026-04-07.

Conditions:
NHERF1-related disorder. Also called: NHERF1-related condition.

Allele frequency attached by ClinVar (database versions not stated): gnomAD exomes 0.00001; ExAC 0.00003; gnomAD 0.00007; TOPMed 0.00008; 1000 Genomes Project 30x 0.00016.
gnomAD v4.1: 22 of 1,597,102 alleles (0.0014%); highest among the groups gnomAD compares: African/African-American, 0.029%; no homozygotes.

Submissions (2):

PreventionGenetics, part of Exact Sciences
Classification: Likely benign for NHERF1-related condition. Last evaluated: 2026-04-07. Review status: criteria provided, single submitter. Criteria: ACMG Guidelines, 2015. Collection method: clinical testing. Allele origin: germline.
Comment: This variant is classified as likely benign based on ACMG/AMP sequence variant interpretation guidelines (Richards et al. 2015 PMID: 25741868, with internal and published modifications).

Labcorp Genetics (formerly Invitae), Labcorp
Classification: Likely benign. Last evaluated: 2023-12-19. Review status: criteria provided, single submitter. Criteria: Invitae Variant Classification Sherloc (09022015). Collection method: clinical testing. Allele origin: germline.

NM_004252.5(NHERF1):c.210G>A (p.Glu70=)

Genes: NHERF1 (NHERF family PDZ scaffold protein 1; plus strand), SLC9A3R1-AS1 (SLC9A3R1 antisense RNA 1; minus strand). Cytogenetic location: 17q25.1.
Variant type: single nucleotide variant.
Coding change: c.210G>A on transcript NM_004252.5 (MANE Select); coding-DNA position 210, G replaced by A.
Protein change: p.Glu70=; no amino-acid change (glutamic acid 70 retained).
Molecular consequence: synonymous variant.
Genome position (GRCh38, 1-based): chr17:74,749,056, G>A. VCF-style: chr17-74749056-G-A. GRCh37 (hg19) VCF-style: chr17-72745195-G-A.
Other names: c.210G>A (NM_004252.4).
Identifiers: ClinVar variation 2714708 (VCV002714708.4), dbSNP rs747050189, ClinGen allele CA8750558.